The following is an entry in ClinVar:

NM_000038.6(APC):c.*1753G>A

Gene: APC (APC regulator of Wnt signaling pathway; plus strand). Cytogenetic location: 5q22.2.
Variant type: single nucleotide variant.
Coding change: c.*1753G>A on transcript NM_000038.6 (MANE Select); 1753 bases downstream of the stop codon, G replaced by A.
Molecular consequence: 3 prime UTR variant.
Genome position (GRCh38, 1-based): chr5:112,845,879, G>A. VCF-style: chr5-112845879-G-A. GRCh37 (hg19) VCF-style: chr5-112181576-G-A.
Other names: c.*1753G>A (NM_001127510.3, NM_001127511.3, NM_001354895.2 and 11 more transcripts).
Identifiers: ClinVar variation 83263 (VCV000083263.6), dbSNP rs397768, ClinGen allele CA005980.
Genomic context (GRCh38, chr5:112,845,879, plus strand): 5'-TGTTGAATAAATGAAAATTTATTTTTAGTGATAAGATTCATACACTCTGTATTTGGGGAG[G>A]GAAAACCTTTTTAAGCATGGTGGGGCACTCAGATAGGAGTGAATACACCTACCTGGTGCC-3'

ClinVar aggregate classification (germline): Benign. Review status: criteria provided, single submitter (1 of 4 stars). 2 submissions from 2 submitters: Benign (1). 1 of the submissions does not count toward it. Last evaluated 2018-01-12.

Conditions:
APC-Associated Polyposis Disorders.
Familial colorectal cancer. Identifiers: MedGen CN280943, MONDO:0023113. Disease mechanism: loss of function.

Allele frequency attached by ClinVar (database versions not stated): gnomAD 0.62246 and 0.63056; TOPMed 0.64302; gnomAD exomes 0.66103; 1000 Genomes Project 30x 0.69425; 1000 Genomes Project 0.69728.
gnomAD v4.1: 148,495 of 231,790 alleles (64%); highest among the groups gnomAD compares: East Asian, 84%; 48,105 homozygotes.

Submissions (2):

Illumina Laboratory Services, Illumina
Classification: Benign for APC-Associated Polyposis Disorders. Last evaluated: 2018-01-12. Review status: criteria provided, single submitter. Criteria: ICSL Variant Classification Criteria 13 December 2019. Collection method: clinical testing. Allele origin: germline.
Comment: This variant was observed in the ICSL laboratory as part of a predisposition screen in an ostensibly healthy population. It had not been previously curated by ICSL or reported in the Human Gene Mutation Database (HGMD: prior to June 1st, 2018), and was therefore a candidate for classification through an automated scoring system. Utilizing variant allele frequency, disease prevalence and penetrance estimates, and inheritance mode, an automated score was calculated to assess if this variant is too frequent to cause the disease. Based on the score and internal cut-off values, a variant classified as benign is not then subjected to further curation. The score for this variant resulted in a classification of benign for this disease.

Systems Biology Platform Zhejiang California International NanoSystems Institute
Classification: other for Familial colorectal cancer. Review status: no assertion criteria provided. Collection method: not provided. Allele origin: unknown. Not counted in ClinVar's aggregate classification.
ClinVar note: Converted during submission from cancer to other.